The following is an entry in ClinVar:

ClinVar aggregate classification (germline): Likely benign. Review status: criteria provided, single submitter (1 of 4 stars). 2 submissions from 2 submitters: Likely benign (1). 1 of the submissions does not count toward it. Last evaluated 2025-12-08.

Conditions:
B4GALT1-related disorder. Also called: B4GALT1-related condition.

Allele frequency attached by ClinVar (database versions not stated): gnomAD exomes 0.00017 and 0.00037; ExAC 0.00054; ESP Exome Variant Server 0.00125; TOPMed 0.00217; 1000 Genomes Project 30x 0.00219; gnomAD 0.00222 and 0.00233; 1000 Genomes Project 0.00240.
gnomAD v4.1: 582 of 1,601,068 alleles (0.036%); highest among the groups gnomAD compares: African/African-American, 0.74%; 3 homozygotes.

Submissions (2):

Labcorp Genetics (formerly Invitae), Labcorp
Classification: Likely benign. Last evaluated: 2025-12-08. Review status: criteria provided, single submitter. Criteria: Invitae Variant Classification Sherloc (09022015). Collection method: clinical testing. Allele origin: germline.

PreventionGenetics, part of Exact Sciences
Classification: Likely benign for B4GALT1-related condition. Last evaluated: 2019-08-28. Review status: no assertion criteria provided. Collection method: clinical testing. Allele origin: germline. Not counted in ClinVar's aggregate classification.
Comment: This variant is classified as likely benign based on ACMG/AMP sequence variant interpretation guidelines (Richards et al. 2015 PMID: 25741868, with internal and published modifications).

NM_001497.4(B4GALT1):c.27C>A (p.Ser9Arg)

Genes: B4GALT1 (beta-1,4-galactosyltransferase 1; minus strand), B4GALT1-AS1 (B4GALT1 antisense RNA 1; plus strand). Cytogenetic location: 9p21.1.
Variant type: single nucleotide variant.
Coding change: c.27C>A on transcript NM_001497.4 (MANE Select); coding-DNA position 27, C replaced by A.
Protein change: p.Ser9Arg; replaces serine 9 with arginine.
Molecular consequence: missense variant. On other transcripts: 5 prime UTR variant (1).
Genome position (GRCh38, 1-based): chr9:33,167,143, G>T on the plus strand (C>A on the coding strand, the complement: B4GALT1 is on the minus strand). VCF-style: chr9-33167143-G-T. GRCh37 (hg19) VCF-style: chr9-33167141-G-T.
Other names: c.-13C>A (NM_001378495.1); c.27C>A, p.Ser9Arg (NM_001378496.1, NM_001378497.1); short protein forms S9R.
Identifiers: ClinVar variation 790066 (VCV000790066.11), dbSNP rs114438904, ClinGen allele CA5023859.